The following is an entry in ClinVar:

ClinVar aggregate classification (germline): Uncertain significance (1 of 4 stars; one submission).

Conditions:
Mucopolysaccharidosis, MPS-III-B (MPS3B). Also called: N-ACETYL-ALPHA-D-GLUCOSAMINIDASE DEFICIENCY; NAGLU DEFICIENCY; SANFILIPPO SYNDROME B; MPS III B; Mucopolysaccharidosis type IIIB (Sanfilippo B); MPS IIIB (Sanfilippo Syndrome Type B). Identifiers: Orphanet 79270, MedGen C0086648, MONDO:0009656, OMIM 252920.
Charcot-Marie-Tooth disease axonal type 2V. Also called: CHARCOT-MARIE-TOOTH NEUROPATHY, TYPE 2V; CHARCOT-MARIE-TOOTH DISEASE, AXONAL, AUTOSOMAL DOMINANT, TYPE 2V. Identifiers: Orphanet 447964, MedGen C5569050, MONDO:0014665, OMIM 616491.

Submission:

Labcorp Genetics (formerly Invitae), Labcorp
Classification: Uncertain significance for Charcot-Marie-Tooth disease axonal type 2V; Mucopolysaccharidosis, MPS-III-B. Last evaluated: 2021-12-23. Review status: criteria provided, single submitter. Criteria: Invitae Variant Classification Sherloc (09022015). Collection method: clinical testing. Allele origin: germline.
Comment: This sequence change replaces threonine, which is neutral and polar, with alanine, which is neutral and non-polar, at codon 64 of the NAGLU protein (p.Thr64Ala). This variant is not present in population databases (gnomAD no frequency). This variant has not been reported in the literature in individuals affected with NAGLU-related conditions. Advanced modeling of protein sequence and biophysical properties (such as structural, functional, and spatial information, amino acid conservation, physicochemical variation, residue mobility, and thermodynamic stability) performed at Invitae indicates that this missense variant is not expected to disrupt NAGLU protein function. In summary, the available evidence is currently insufficient to determine the role of this variant in disease. Therefore, it has been classified as a Variant of Uncertain Significance.

NM_000263.4(NAGLU):c.190A>G (p.Thr64Ala)

Genes: NAGLU (N-acetyl-alpha-glucosaminidase; plus strand), LOC130060903 (ATAC-STARR-seq lymphoblastoid silent region 8533; plus strand). Cytogenetic location: 17q21.2.
Variant type: single nucleotide variant.
Coding change: c.190A>G on transcript NM_000263.4 (MANE Select); coding-DNA position 190, A replaced by G.
Protein change: p.Thr64Ala; replaces threonine 64 with alanine.
Molecular consequence: missense variant.
Genome position (GRCh38, 1-based): chr17:42,536,462, A>G. VCF-style: chr17-42536462-A-G. GRCh37 (hg19) VCF-style: chr17-40688480-A-G.
Other names: short protein forms T64A.
Identifiers: ClinVar variation 2043048 (VCV002043048.4), dbSNP rs2510650088, ClinGen allele CA399595579.